The following is an entry in ClinVar:

ClinVar aggregate classification (germline): Uncertain significance (1 of 4 stars; one submission).

Conditions:
MKS1-related disorder. Also called: MKS1-related disorders; MKS1-related condition. Identifiers: MedGen CN239382.

gnomAD v4.1: 3 of 1,614,010 alleles (0.00019%); highest among the groups gnomAD compares: Non-Finnish European, 0.00025%; no homozygotes.

Submission:

PreventionGenetics, part of Exact Sciences
Classification: Uncertain significance for MKS1-related condition. Last evaluated: 2025-07-31. Review status: criteria provided, single submitter. Criteria: ACMG Guidelines, 2015. Collection method: clinical testing. Allele origin: germline.
Comment: The MKS1 c.1438A>G variant is predicted to result in the amino acid substitution p.Lys480Glu. To our knowledge, this variant has not been reported in the literature or in a large population database (gnomAD), indicating this variant is rare. At this time, the clinical significance of this variant is uncertain due to the absence of conclusive functional and genetic evidence.

NM_017777.4(MKS1):c.1521A>G (p.Lys507=)

Gene: MKS1 (MKS transition zone complex subunit 1; minus strand). Cytogenetic location: 17q22.
Variant type: single nucleotide variant.
Coding change: c.1521A>G on transcript NM_017777.4 (MANE Select); coding-DNA position 1521, A replaced by G.
Protein change: p.Lys507=; no amino-acid change (lysine 507 retained).
Molecular consequence: synonymous variant. On other transcripts: missense variant (2).
Genome position (GRCh38, 1-based): chr17:58,206,350, T>C on the plus strand (A>G on the coding strand, the complement: MKS1 is on the minus strand). VCF-style: chr17-58206350-T-C. GRCh37 (hg19) VCF-style: chr17-56283711-T-C.
Other names: c.912A>G, p.Lys304= (NM_001321268.2); c.1438A>G, p.Lys480Glu (NM_001321269.2); c.1304A>G, p.Lys435Arg (NM_001330397.2); short protein forms K435R, K480E.
Identifiers: ClinVar variation 5001663 (VCV005001663.1).